The following is an entry in ClinVar:

NM_000216.4(ANOS1):c.1043G>A (p.Arg348Gln)

Gene: ANOS1 (anosmin 1; minus strand). Cytogenetic location: Xp22.31.
Variant type: single nucleotide variant.
Coding change: c.1043G>A on transcript NM_000216.4 (MANE Select); coding-DNA position 1043, G replaced by A.
Protein change: p.Arg348Gln; replaces arginine 348 with glutamine.
Molecular consequence: missense variant.
Genome position (GRCh38, 1-based): chrX:8,570,518, C>T on the plus strand (G>A on the coding strand, the complement: ANOS1 is on the minus strand). VCF-style: chrX-8570518-C-T. GRCh37 (hg19) VCF-style: chrX-8538559-C-T.
Other names: c.1043G>A (NM_000216.2); short protein forms R348Q.
Identifiers: ClinVar variation 1896885 (VCV001896885.6), dbSNP rs143406724, ClinGen allele CA326064891.

ClinVar aggregate classification (germline): Uncertain significance. Review status: criteria provided, multiple submitters, no conflicts (2 of 4 stars). 2 submissions from 2 submitters: Uncertain significance (2). Last evaluated 2024-05-28.

Conditions:
Inborn genetic diseases. Identifiers: MedGen C0950123, MeSH D030342.
Hypogonadotropic hypogonadism 1 with or without anosmia (HH1). Also called: Kallmann syndrome, type 1, X-linked; DYSPLASIA OLFACTOGENITALIS OF DE MORSIER; Hypogonadotropic hypogonadism 1 with or without anosmia (Kallmann syndrome 1); HYPOGONADOTROPIC HYPOGONADISM 1 WITH ANOSMIA; KAL1-Related GnRH Deficiency (Kallmann Syndrome 1; Kallmann Syndrome, X-Linked); HYPOGONADOTROPIC HYPOGONADISM AND ANOSMIA. Identifiers: Orphanet 478, MedGen C1563719, MONDO:0010635, OMIM 308700. Disease mechanism: loss of function.

Allele frequency attached by ClinVar (database versions not stated): ESP Exome Variant Server 0.00009; TOPMed 0.00001; gnomAD 0.00002; gnomAD exomes 0.00001.
gnomAD v4.1: 16 of 1,208,038 alleles (0.0013%); highest among the groups gnomAD compares: Admixed American, 0.0066%; no homozygotes.

Submissions (2):

Labcorp Genetics (formerly Invitae), Labcorp
Classification: Uncertain significance for Hypogonadotropic hypogonadism 1 with or without anosmia. Last evaluated: 2024-05-28. Review status: criteria provided, single submitter. Criteria: Invitae Variant Classification Sherloc (09022015). Collection method: clinical testing. Allele origin: germline.
Comment: This sequence change replaces arginine, which is basic and polar, with glutamine, which is neutral and polar, at codon 348 of the ANOS1 protein (p.Arg348Gln). This variant is present in population databases (rs143406724, gnomAD 0.008%), including at least one homozygous and/or hemizygous individual. This variant has not been reported in the literature in individuals affected with ANOS1-related conditions. ClinVar contains an entry for this variant (Variation ID: 1896885). Advanced modeling of protein sequence and biophysical properties (such as structural, functional, and spatial information, amino acid conservation, physicochemical variation, residue mobility, and thermodynamic stability) performed at Invitae indicates that this missense variant is not expected to disrupt ANOS1 protein function with a negative predictive value of 80%. In summary, the available evidence is currently insufficient to determine the role of this variant in disease. Therefore, it has been classified as a Variant of Uncertain Significance.

Ambry Genetics
Classification: Uncertain significance for Inborn genetic diseases. Last evaluated: 2023-12-14. Review status: criteria provided, single submitter. Criteria: Ambry Variant Classification Scheme 2023. Collection method: clinical testing. Allele origin: germline.